The following is an entry in ClinVar:

Conditions:
Breast-ovarian cancer, familial, susceptibility to, 1 (BROVCA1). Also called: BRCA1 Hereditary Breast and Ovarian Cancer; OVARIAN CANCER, SUSCEPTIBILITY TO. Identifiers: Orphanet 145, MedGen C2676676, MONDO:0011450, OMIM 604370. Disease mechanism: loss of function.

Submission:

Brotman Baty Institute, University of Washington
No classification provided (evidence only). Condition: Breast-ovarian cancer, familial 1. Review status: no classification provided. Collection method: in vitro. Allele origin: not applicable. Functional consequence: functionally_normal.
ClinVar note: "not provided" was previously submitted as the classification for the variant. However, the classification appeared to be based only on an observation of functional data so it was converted to no classification on 2025-07-30.

NM_007294.4(BRCA1):c.5278-11T>G

Gene: BRCA1 (BRCA1 DNA repair associated; minus strand). Cytogenetic location: 17q21.31.
Variant type: single nucleotide variant.
Coding change: c.5278-11T>G on transcript NM_007294.4 (MANE Select); 11 bases into the intron before coding-DNA position 5278, T replaced by G.
Molecular consequence: intron variant.
Genome position (GRCh38, 1-based): chr17:43,051,128, A>C on the plus strand (T>G on the coding strand, the complement: BRCA1 is on the minus strand). VCF-style: chr17-43051128-A-C. GRCh37 (hg19) VCF-style: chr17-41203145-A-C.
Other names: c.1825-11T>G (NM_001408458.1, NM_001408461.1, NM_001408464.1 and 7 more transcripts); c.4387-11T>G (NM_001407967.1); c.4897-11T>G (NM_001407959.1); c.5011-11T>G (NM_001407931.1, NM_001407932.1, NM_001407928.1 and 4 more transcripts); c.5134-11T>G (NM_001407747.1, NM_001407745.1, NM_001407737.1 and 21 more transcripts); c.4894-11T>G (NM_001407962.1, NM_001407960.1); c.1465-11T>G (NM_001408512.1); c.1588-11T>G (NM_001408510.1); and 74 more.
Identifiers: ClinVar variation 868277 (VCV000868277.3), dbSNP rs1567760749, ClinGen allele CA916081073.